The following is an entry in ClinVar:

ClinVar aggregate classification (germline): Uncertain significance (1 of 4 stars; one submission).

Submission:

Labcorp Genetics (formerly Invitae), Labcorp
Classification: Uncertain significance. Last evaluated: 2025-02-11. Review status: criteria provided, single submitter. Criteria: Invitae Variant Classification Sherloc (09022015). Collection method: clinical testing. Allele origin: germline.
Comment: This sequence change replaces proline, which is neutral and non-polar, with threonine, which is neutral and polar, at codon 432 of the PLEKHM2 protein (p.Pro432Thr). The frequency data for this variant in the population databases is considered unreliable, as metrics indicate poor data quality at this position in the gnomAD database. This variant has not been reported in the literature in individuals affected with PLEKHM2-related conditions. An algorithm developed to predict the effect of missense changes on protein structure and function (PolyPhen-2) suggests that this variant is likely to be tolerated. In summary, the available evidence is currently insufficient to determine the role of this variant in disease. Therefore, it has been classified as a Variant of Uncertain Significance.

NM_015164.4(PLEKHM2):c.1294C>A (p.Pro432Thr)

Gene: PLEKHM2 (pleckstrin homology and RUN domain containing M2; plus strand). Cytogenetic location: 1p36.21.
Variant type: single nucleotide variant.
Coding change: c.1294C>A on transcript NM_015164.4 (MANE Select); coding-DNA position 1294, C replaced by A.
Protein change: p.Pro432Thr; replaces proline 432 with threonine.
Molecular consequence: missense variant.
Genome position (GRCh38, 1-based): chr1:15,727,366, C>A. VCF-style: chr1-15727366-C-A. GRCh37 (hg19) VCF-style: chr1-16053861-C-A.
Other names: c.1234C>A, p.Pro412Thr (NM_001410755.1); short protein forms P412T, P432T.
Identifiers: ClinVar variation 3729971 (VCV003729971.2).